The following is an entry in ClinVar:

ClinVar aggregate classification (germline): Likely benign (0 of 4 stars; one submission).

Conditions:
KDM5C-related disorder. Also called: KDM5C-related condition.

Submission:

PreventionGenetics, part of Exact Sciences
Classification: Likely benign for KDM5C-related condition. Last evaluated: 2019-08-14. Review status: no assertion criteria provided. Collection method: clinical testing. Allele origin: germline.
Comment: This variant is classified as likely benign based on ACMG/AMP sequence variant interpretation guidelines (Richards et al. 2015 PMID: 25741868, with internal and published modifications).

NM_004187.5(KDM5C):c.1929C>G (p.Ser643=)

Gene: KDM5C (lysine demethylase 5C; minus strand). Cytogenetic location: Xp11.22.
Variant type: single nucleotide variant.
Coding change: c.1929C>G on transcript NM_004187.5 (MANE Select); coding-DNA position 1929, C replaced by G.
Protein change: p.Ser643=; no amino-acid change (serine 643 retained).
Molecular consequence: synonymous variant. On other transcripts: non-coding transcript variant (3).
Genome position (GRCh38, 1-based): chrX:53,201,682, G>C on the plus strand (C>G on the coding strand, the complement: KDM5C is on the minus strand). VCF-style: chrX-53201682-G-C. GRCh37 (hg19) VCF-style: chrX-53230864-G-C.
Other names: c.1728C>G, p.Ser576= (NM_001146702.2); c.1926C>G, p.Ser642= (NM_001282622.3, NM_001353979.2, NM_001353982.2); c.1929C>G, p.Ser643= (NM_001353978.3, NM_001353981.2, NM_001353984.2).
Identifiers: ClinVar variation 3052750 (VCV003052750.2), dbSNP rs2146866093, ClinGen allele CA516426743.